The following is an entry in ClinVar:

ClinVar aggregate classification (germline): Likely benign (0 of 4 stars; one submission).

Conditions:
MYOM2-related disorder. Also called: MYOM2-related condition.

Allele frequency attached by ClinVar (database versions not stated): ESP Exome Variant Server 0.00154; gnomAD 0.00177; TOPMed 0.00183; 1000 Genomes Project 30x 0.00219; 1000 Genomes Project 0.00220.
gnomAD v4.1: 476 of 1,613,832 alleles (0.029%); highest among the groups gnomAD compares: African/African-American, 0.55%; 6 homozygotes.

Submission:

PreventionGenetics, part of Exact Sciences
Classification: Likely benign for MYOM2-related condition. Last evaluated: 2019-07-13. Review status: no assertion criteria provided. Collection method: clinical testing. Allele origin: germline.
Comment: This variant is classified as likely benign based on ACMG/AMP sequence variant interpretation guidelines (Richards et al. 2015 PMID: 25741868, with internal and published modifications).

NM_003970.4(MYOM2):c.2883G>A (p.Val961=)

Genes: MYOM2 (myomesin 2; plus strand), LOC126860282 (BRD4-independent group 4 enhancer GRCh37_chr8:2053383-2054582; plus strand). Cytogenetic location: 8p23.3.
Variant type: single nucleotide variant.
Coding change: c.2883G>A on transcript NM_003970.4 (MANE Select); coding-DNA position 2883, G replaced by A.
Protein change: p.Val961=; no amino-acid change (valine 961 retained).
Molecular consequence: synonymous variant.
Genome position (GRCh38, 1-based): chr8:2,106,390, G>A. VCF-style: chr8-2106390-G-A. GRCh37 (hg19) VCF-style: chr8-2054180-G-A.
Identifiers: ClinVar variation 3049343 (VCV003049343.2), dbSNP rs150184470, ClinGen allele CA170459363.